The following is an entry in ClinVar:

NC_000011.9:g.(?_108173570)_(108175589_?)del

Gene: ATM (ATM serine/threonine kinase; plus strand). Cytogenetic location: 11q22.3.
Variant type: Deletion.
Identifiers: ClinVar variation 1386570 (VCV001386570.7).

ClinVar aggregate classification (germline): Pathogenic (1 of 4 stars; one submission).

Conditions:
Ataxia-telangiectasia syndrome (AT). Also called: Cerebello-oculocutaneous telangiectasia; Immunodeficiency with ataxia telangiectasia; LOUIS-BAR SYNDROME; ATAXIA-TELANGIECTASIA, COMPLEMENTATION GROUP A; ATAXIA-TELANGIECTASIA, FRESNO VARIANT; Ataxia-telangiectasia, complementation group D. Identifiers: Orphanet 100, MedGen C0004135, MONDO:0008840, OMIM 208900.

Submission:

Labcorp Genetics (formerly Invitae), Labcorp
Classification: Pathogenic for Ataxia-telangiectasia syndrome. Last evaluated: 2022-06-26. Review status: criteria provided, single submitter. Criteria: Invitae Variant Classification Sherloc (09022015). Collection method: clinical testing. Allele origin: germline.
Comment: For these reasons, this variant has been classified as Pathogenic. This variant has not been reported in the literature in individuals affected with ATM-related conditions. This variant is a gross deletion of the genomic region encompassing exon(s) 36-37 of the ATM gene. This deletion is out-of-frame, and is expected to create a premature termination codon and result in an absent or disrupted protein product. Loss-of-function variants in ATM are known to be pathogenic (PMID: 23807571, 25614872).

Literature cited by the submitters: PubMed 23807571; PubMed 25614872.